The following is an entry in ClinVar:

ClinVar aggregate classification (germline): Uncertain significance. Review status: criteria provided, multiple submitters, no conflicts (2 of 4 stars). 2 submissions from 2 submitters: Uncertain significance (2). Last evaluated 2026-04-20.

Conditions:
Ehlers-Danlos syndrome, dermatosparaxis type. Also called: EDS VIIC; Dermatosparaxis; Ehlers-Danlos syndrome, type VII, autosomal recessive. Identifiers: Orphanet 1901, MedGen C2700425, MONDO:0009161, OMIM 225410.

Allele frequency attached by ClinVar (database versions not stated): ExAC 0.00003; gnomAD 0.00004; TOPMed 0.00004; 1000 Genomes Project 0.00020; 1000 Genomes Project 30x 0.00031.
gnomAD v4.1: 56 of 1,614,064 alleles (0.0035%); highest among the groups gnomAD compares: East Asian, 0.02%; no homozygotes.

Submissions (2):

Women's Health and Genetics/Laboratory Corporation of America, LabCorp
Classification: Uncertain significance. Last evaluated: 2026-04-20. Review status: criteria provided, single submitter. Criteria: LabCorp Variant Classification Summary - May 2015. Collection method: clinical testing. Allele origin: germline.
Comment: Variant summary: ADAMTS2 c.2140G>A (p.Val714Met) results in a conservative amino acid change in the encoded protein sequence. Algorithms developed to predict the effect of missense changes on protein structure and function are either unavailable or do not agree on the potential impact of this missense change. The variant allele was found at a frequency of 2.8e-05 in 250790 control chromosomes. The available data on variant occurrences in the general population are insufficient to allow any conclusion about variant significance. To our knowledge, no occurrence of c.2140G>A in individuals affected with ADAMTS2-related conditions and no experimental evidence demonstrating its impact on protein function have been reported. ClinVar contains an entry for this variant (Variation ID: 1939051). Based on the evidence outlined above, the variant was classified as uncertain significance.

Labcorp Genetics (formerly Invitae), Labcorp
Classification: Uncertain significance for Ehlers-Danlos syndrome, dermatosparaxis type. Last evaluated: 2022-01-07. Review status: criteria provided, single submitter. Criteria: Invitae Variant Classification Sherloc (09022015). Collection method: clinical testing. Allele origin: germline.
Comment: This sequence change replaces valine, which is neutral and non-polar, with methionine, which is neutral and non-polar, at codon 714 of the ADAMTS2 protein (p.Val714Met). This variant is present in population databases (rs574735794, gnomAD 0.005%). This variant has not been reported in the literature in individuals affected with ADAMTS2-related conditions. Algorithms developed to predict the effect of missense changes on protein structure and function are either unavailable or do not agree on the potential impact of this missense change (SIFT: "Deleterious"; PolyPhen-2: "Possibly Damaging"; Align-GVGD: "Class C15"). In summary, the available evidence is currently insufficient to determine the role of this variant in disease. Therefore, it has been classified as a Variant of Uncertain Significance.

NM_014244.5(ADAMTS2):c.2140G>A (p.Val714Met)

Gene: ADAMTS2 (ADAM metallopeptidase with thrombospondin type 1 motif 2; minus strand). Cytogenetic location: 5q35.3.
Variant type: single nucleotide variant.
Coding change: c.2140G>A on transcript NM_014244.5 (MANE Select); coding-DNA position 2140, G replaced by A.
Protein change: p.Val714Met; replaces valine 714 with methionine.
Molecular consequence: missense variant.
Genome position (GRCh38, 1-based): chr5:179,132,846, C>T on the plus strand (G>A on the coding strand, the complement: ADAMTS2 is on the minus strand). VCF-style: chr5-179132846-C-T. GRCh37 (hg19) VCF-style: chr5-178559847-C-T.
Other names: short protein forms V714M.
Identifiers: ClinVar variation 1939051 (VCV001939051.4), dbSNP rs574735794, ClinGen allele CA3595655.